The following is an entry in ClinVar:

NM_000321.3(RB1):c.570G>A (p.Val190=)

Gene: RB1 (RB transcriptional corepressor 1; plus strand). Cytogenetic location: 13q14.2.
Variant type: single nucleotide variant.
Coding change: c.570G>A on transcript NM_000321.3 (MANE Select); coding-DNA position 570, G replaced by A.
Protein change: p.Val190=; no amino-acid change (valine 190 retained).
Molecular consequence: synonymous variant.
Genome position (GRCh38, 1-based): chr13:48,348,986, G>A. VCF-style: chr13-48348986-G-A. GRCh37 (hg19) VCF-style: chr13-48923122-G-A.
Identifiers: ClinVar variation 237675 (VCV000237675.13), dbSNP rs775061547, ClinGen allele CA038829.
Genomic context (GRCh38, chr13:48,348,986, plus strand): 5'-TTTTTTTTCTGCTTTCTATTTGTTTAATAGGATATCTACTGAAATAAATTCTGCATTGGT[G>A]CTAAAAGTTTCTTGGATCACATTTTTATTAGCTAAAGGTAAGTTCATTATATTTATTAAA-3'
Protein context (NP_000312.2, residues 180-200): SISTEINSAL[Val190=]LKVSWITFLL

ClinVar aggregate classification (germline): Benign/Likely benign. Review status: criteria provided, multiple submitters, no conflicts (2 of 4 stars). 4 submissions from 4 submitters: Benign (1); Likely benign (3). Last evaluated 2026-06-23.

Conditions:
Hereditary cancer-predisposing syndrome. Also called: Hereditary neoplastic syndrome; Neoplastic Syndromes, Hereditary; Hereditary Cancer Syndrome; Tumor predisposition. Identifiers: Orphanet 140162, MedGen C0027672, MeSH D009386, MONDO:0015356.
Retinoblastoma (RB1). Also called: RETINOBLASTOMA, SOMATIC. Identifiers: Orphanet 790, MedGen C0035335, MeSH D012175, MONDO:0008380, OMIM 180200, HP:0009919. Disease mechanism: loss of function. Inheritance: Both sporadic and heritable forms are tested..

Allele frequency attached by ClinVar (database versions not stated): ExAC 0.00001; gnomAD exomes below 0.00001.
gnomAD v4.1: 3 of 1,601,204 alleles (0.00019%); highest among the groups gnomAD compares: South Asian, 0.0011%; no homozygotes.

Submissions (4):

Myriad Genetics, Inc.
Classification: Benign for Retinoblastoma. Last evaluated: 2026-06-23. Review status: criteria provided, single submitter. Criteria: Myriad Autosomal Dominant, Autosomal Recessive and X-Linked Classification Criteria (2023). Collection method: clinical testing. Allele origin: unknown.
Comment: This variant is considered benign. This variant is a silent/synonymous amino acid change and it is not expected to impact splicing.

Labcorp Genetics (formerly Invitae), Labcorp
Classification: Likely benign for Retinoblastoma. Last evaluated: 2023-04-11. Review status: criteria provided, single submitter. Criteria: Invitae Variant Classification Sherloc (09022015). Collection method: clinical testing. Allele origin: germline.

Ambry Genetics
Classification: Likely benign for Hereditary cancer-predisposing syndrome. Last evaluated: 2022-02-12. Review status: criteria provided, single submitter. Criteria: Ambry Variant Classification Scheme 2023. Collection method: clinical testing. Allele origin: germline.

GeneDx
Classification: Likely benign. Last evaluated: 2018-03-19. Review status: criteria provided, single submitter. Criteria: GeneDx Variant Classification (06012015). Collection method: clinical testing. Allele origin: germline. Affected: yes.
Comment: This variant is considered likely benign or benign based on one or more of the following criteria: it is a conservative change, it occurs at a poorly conserved position in the protein, it is predicted to be benign by multiple in silico algorithms, and/or has population frequency not consistent with disease.